The following is an entry in ClinVar:

NM_001754.5(RUNX1):c.1294T>C (p.Cys432Arg)

Gene: RUNX1 (RUNX family transcription factor 1; minus strand). Cytogenetic location: 21q22.12.
Variant type: single nucleotide variant.
Coding change: c.1294T>C on transcript NM_001754.5 (MANE Select); coding-DNA position 1294, T replaced by C.
Protein change: p.Cys432Arg; replaces cysteine 432 with arginine.
Molecular consequence: missense variant.
Genome position (GRCh38, 1-based): chr21:34,792,284, A>G on the plus strand (T>C on the coding strand, the complement: RUNX1 is on the minus strand). VCF-style: chr21-34792284-A-G. GRCh37 (hg19) VCF-style: chr21-36164581-A-G.
Other names: NM_001754.5(RUNX1):c.1294T>C; p.Cys432Arg; c.1213T>C, p.Cys405Arg (NM_001001890.3); short protein forms C432R, C405R.
Identifiers: ClinVar variation 417952 (VCV000417952.2), dbSNP rs1060499613, ClinGen allele CA16616940.

ClinVar aggregate classification (germline): Uncertain significance. Review status: reviewed by expert panel (3 of 4 stars). 2 submissions from 2 submitters: Uncertain significance (1). 1 of the submissions does not count toward it. Last evaluated 2024-11-13.

Conditions:
Hereditary thrombocytopenia and hematologic cancer predisposition syndrome. Identifiers: Orphanet 71290, MedGen CN281654, MONDO:0011071.
Hereditary thrombocytopenia and hematological cancer predisposition syndrome associated with RUNX1. Also called: Familial Platelet Disorder with Propensity to Acute Myelogenous Leukemia; Familial thrombocytopenia with propensity to acute myelogenous leukemia; PLATELET DISORDER, ASPIRIN-LIKE; RUNX1 Familial Platelet Disorder with Associated Myeloid Malignancies. Identifiers: Orphanet 71290, MedGen C1832388, MeSH C563324, MONDO:0100083, OMIM 601399.

gnomAD v4.1: 1 of 1,532,836 alleles (0.000065%); no homozygotes.

Submissions (2):

ClinGen Myeloid Malignancy Variant Curation Expert Panel
Classification: Uncertain significance for Hereditary thrombocytopenia and hematologic cancer predisposition syndrome. Last evaluated: 2024-11-13. Review status: reviewed by expert panel. Criteria: ClinGen MyeloMalig ACMG Specifications v2. Collection method: curation. Allele origin: germline. Inheritance: Autosomal dominant inheritance.
Comment: NM_001754.5(RUNX1):c.1294T>C (p.Cys432Arg) is a missense variant which does not meet any ACMG/AMP criteria. In summary, the clinical significance of this variant is uncertain. ACMG/AMP criteria applied, as specified by the Myeloid Malignancy Variant Curation Expert Panel for RUNX1: None.

Division of Human Genetics, Children's Hospital of Philadelphia
Classification: Uncertain significance for Hereditary thrombocytopenia and hematological cancer predisposition syndrome associated with RUNX1. Last evaluated: 2016-02-15. Review status: no assertion criteria provided. Collection method: research. Allele origin: paternal. Affected: yes. Study: CSER-PediSeq. Not counted in ClinVar's aggregate classification.